The following is an entry in ClinVar:

ClinVar aggregate classification (germline): Conflicting classifications of pathogenicity. Review status: criteria provided, conflicting classifications (1 of 4 stars). 4 submissions from 4 submitters: Uncertain significance (1); Benign (2). 1 of the submissions does not count toward it. Last evaluated 2025-02-09.

Conditions:
POU3F4-related disorder. Also called: POU3F4-related condition.
Inborn genetic diseases. Identifiers: MedGen C0950123, MeSH D030342.

Allele frequency attached by ClinVar (database versions not stated): gnomAD exomes 0.00042 and 0.00018; ExAC 0.00043; ESP Exome Variant Server 0.00009; gnomAD 0.00010; TOPMed 0.00020; 1000 Genomes Project 30x 0.00021; 1000 Genomes Project 0.00026.
gnomAD v4.1: 89 of 1,206,415 alleles (0.0074%); highest among the groups gnomAD compares: Admixed American, 0.19%; 1 homozygote.

Submissions (4):

Labcorp Genetics (formerly Invitae), Labcorp
Classification: Benign. Last evaluated: 2025-02-09. Review status: criteria provided, single submitter. Criteria: Invitae Variant Classification Sherloc (09022015). Collection method: clinical testing. Allele origin: germline.

Ambry Genetics
Classification: Uncertain significance for Inborn genetic diseases. Last evaluated: 2022-06-29. Review status: criteria provided, single submitter. Criteria: Ambry Variant Classification Scheme 2023. Collection method: clinical testing. Allele origin: germline.

GeneDx
Classification: Benign. Last evaluated: 2020-11-24. Review status: criteria provided, single submitter. Criteria: GeneDx Variant Classification Process June 2021. Collection method: clinical testing. Allele origin: germline. Affected: yes.

PreventionGenetics, part of Exact Sciences
Classification: Likely benign for POU3F4-related condition. Last evaluated: 2019-08-13. Review status: no assertion criteria provided. Collection method: clinical testing. Allele origin: germline. Not counted in ClinVar's aggregate classification.
Comment: This variant is classified as likely benign based on ACMG/AMP sequence variant interpretation guidelines (Richards et al. 2015 PMID: 25741868, with internal and published modifications).

NM_000307.5(POU3F4):c.418A>C (p.Thr140Pro)

Gene: POU3F4 (POU class 3 homeobox 4; plus strand). Cytogenetic location: Xq21.1.
Variant type: single nucleotide variant.
Coding change: c.418A>C on transcript NM_000307.5 (MANE Select); coding-DNA position 418, A replaced by C.
Protein change: p.Thr140Pro; replaces threonine 140 with proline.
Molecular consequence: missense variant.
Genome position (GRCh38, 1-based): chrX:83,508,742, A>C. VCF-style: chrX-83508742-A-C. GRCh37 (hg19) VCF-style: chrX-82763750-A-C.
Other names: c.418A>C (NM_000307.3); short protein forms T140P.
Identifiers: ClinVar variation 1230950 (VCV001230950.11), dbSNP rs186010225, ClinGen allele CA10462772.
Genomic context (GRCh38, chrX:83,508,742, plus strand): 5'-CCGAACCCGTCTATCACGTCAAGCGGCCAACCCCTCAACGTGTACTCGCAGCCTGGCTTC[A>C]CCGTGAGCGGCATGCTGGAACACGGGGGACTCACCCCACCTCCAGCTGCCGCCTCTGCAC-3'
Protein context (NP_000298.3, residues 130-150): PLNVYSQPGF[Thr140Pro]VSGMLEHGGL